The following is an entry in ClinVar:

NM_005157.6(ABL1):c.539C>T (p.Ser180Phe)

Gene: ABL1 (ABL proto-oncogene 1, non-receptor tyrosine kinase; plus strand). Cytogenetic location: 9q34.12.
Variant type: single nucleotide variant.
Coding change: c.539C>T on transcript NM_005157.6 (MANE Select); coding-DNA position 539, C replaced by T.
Protein change: p.Ser180Phe; replaces serine 180 with phenylalanine.
Molecular consequence: missense variant.
Genome position (GRCh38, 1-based): chr9:130,855,086, C>T. VCF-style: chr9-130855086-C-T. GRCh37 (hg19) VCF-style: chr9-133730473-C-T.
Other names: c.596C>T, p.Ser199Phe (NM_007313.3); short protein forms S180F, S199F.
Identifiers: ClinVar variation 2700208 (VCV002700208.3), dbSNP rs2490675211, ClinGen allele CA375259539.

ClinVar aggregate classification (germline): Uncertain significance (1 of 4 stars; one submission).

Submission:

Labcorp Genetics (formerly Invitae), Labcorp
Classification: Uncertain significance. Last evaluated: 2023-06-09. Review status: criteria provided, single submitter. Criteria: Invitae Variant Classification Sherloc (09022015). Collection method: clinical testing. Allele origin: germline.
Comment: In summary, the available evidence is currently insufficient to determine the role of this variant in disease. Therefore, it has been classified as a Variant of Uncertain Significance. Advanced modeling of protein sequence and biophysical properties (such as structural, functional, and spatial information, amino acid conservation, physicochemical variation, residue mobility, and thermodynamic stability) has been performed at Invitae for this missense variant, however the output from this modeling did not meet the statistical confidence thresholds required to predict the impact of this variant on ABL1 protein function. This variant has not been reported in the literature in individuals affected with ABL1-related conditions. This variant is not present in population databases (gnomAD no frequency). This sequence change replaces serine, which is neutral and polar, with phenylalanine, which is neutral and non-polar, at codon 199 of the ABL1 protein (p.Ser199Phe).